The following is an entry in ClinVar:

Conditions:
Breast-ovarian cancer, familial, susceptibility to, 1 (BROVCA1). Also called: BRCA1 Hereditary Breast and Ovarian Cancer; OVARIAN CANCER, SUSCEPTIBILITY TO. Identifiers: Orphanet 145, MedGen C2676676, MONDO:0011450, OMIM 604370. Disease mechanism: loss of function.

Submission:

Brotman Baty Institute, University of Washington
No classification provided (evidence only). Condition: Breast-ovarian cancer, familial 1. Review status: no classification provided. Collection method: in vitro. Allele origin: not applicable. Functional consequence: functionally_normal.
ClinVar note: "not provided" was previously submitted as the classification for the variant. However, the classification appeared to be based only on an observation of functional data so it was converted to no classification on 2025-07-30.

NM_007294.4(BRCA1):c.5414A>T (p.His1805Leu)

Gene: BRCA1 (BRCA1 DNA repair associated; minus strand). Cytogenetic location: 17q21.31.
Variant type: single nucleotide variant.
Coding change: c.5414A>T on transcript NM_007294.4 (MANE Select); coding-DNA position 5414, A replaced by T.
Protein change: p.His1805Leu; replaces histidine 1805 with leucine.
Molecular consequence: missense variant. On other transcripts: synonymous variant (17).
Genome position (GRCh38, 1-based): chr17:43,047,696, T>A on the plus strand (A>T on the coding strand, the complement: BRCA1 is on the minus strand). VCF-style: chr17-43047696-T-A. GRCh37 (hg19) VCF-style: chr17-41199713-T-A.
Other names: c.5201A>T, p.His1734Leu (NM_001407900.1, NM_001407902.1, NM_001407904.1 and 12 more transcripts); c.5198A>T, p.His1733Leu (NM_001407915.1, NM_001407916.1, NM_001407917.1 and 1 more transcripts); c.5162A>T, p.His1721Leu (NM_001407919.1); c.5150A>T, p.His1717Leu (NM_001407920.1, NM_001407921.1, NM_001407922.1 and 4 more transcripts); c.5147A>T, p.His1716Leu (NM_001407927.1, NM_001407928.1, NM_001407929.1 and 4 more transcripts); c.5144A>T, p.His1715Leu (NM_001407934.1, NM_001407935.1, NM_001407936.1); c.5217A>T, p.Pro1739= (NM_001407937.1, NM_001407938.1); c.5214A>T, p.Pro1738= (NM_001407939.1, NM_001407940.1); and 83 more; short protein forms H1758L, H1805L, H701L, H1826L, H1636L, H1694L, H1734L, H1737L.
Identifiers: ClinVar variation 867379 (VCV000867379.3), dbSNP rs397509281, ClinGen allele CA10590633.
Genomic context (GRCh38, chr17:43,047,696, plus strand): 5'-ACCTTACCATGGAAGCCATTGTCCTCTGTCCAGGCATCTGGCTGCACAACCACAATTGGG[T>A]GGACACCCTGGATCCCCAGGAAGGAAAGAGCATTCAAAGTGTCAAAGTAGGACTACTGGA-3'
Protein context (NP_009225.1, residues 1795-1815): LSSFTLGTGV[His1805Leu]PIVVVQPDAW